The following is an entry in ClinVar:

ClinVar aggregate classification (germline): Uncertain significance (1 of 4 stars; one submission).

Submission:

Labcorp Genetics (formerly Invitae), Labcorp
Classification: Uncertain significance. Last evaluated: 2025-08-31. Review status: criteria provided, single submitter. Criteria: Invitae Variant Classification Sherloc (09022015). Collection method: clinical testing. Allele origin: germline.
Comment: This sequence change creates a premature translational stop signal (p.Asp647Argfs*12) in the SAMD9 gene. While this is not anticipated to result in nonsense mediated decay, it is expected to disrupt the last 943 amino acid(s) of the SAMD9 protein. This variant is not present in population databases (gnomAD no frequency). This variant has not been reported in the literature in individuals affected with SAMD9-related conditions. Experimental studies and prediction algorithms are not available or were not evaluated, and the functional significance of this variant is currently unknown. In summary, the available evidence is currently insufficient to determine the role of this variant in disease. Therefore, it has been classified as a Variant of Uncertain Significance.

NM_017654.4(SAMD9):c.1935_1938dup (p.Asp647fs)

Gene: SAMD9 (sterile alpha motif domain containing 9; minus strand). Cytogenetic location: 7q21.2.
Variant type: Duplication.
Coding change: c.1935_1938dup on transcript NM_017654.4 (MANE Select); coding-DNA positions 1935 to 1938, 4 bases duplicated (AGAA; older notation c.1935_1938dupAGAA).
Protein change: p.Asp647fs; shifts the reading frame from aspartic acid 647.
Molecular consequence: frameshift variant.
Genome position (GRCh38, 1-based): chr7:93,104,160-93,104,163, TTCT duplicated on the plus strand (AGAA on the coding strand, the reverse complement: SAMD9 is on the minus strand); duplicating any 4 consecutive bases within chr7:93,104,160-93,104,164 gives the same sequence; the c. name uses the placement nearest the transcript's 3' end. VCF-style (leftmost placement, unchanged base first): chr7-93104159-C-CTTCT. GRCh37 (hg19) VCF-style: chr7-92733472-C-CTTCT.
Other names: c.1935_1938dup, p.Asp647fs (NM_001193307.2); short protein forms D647fs.
Identifiers: ClinVar variation 4726423 (VCV004726423.1).